The following is an entry in ClinVar:

ClinVar aggregate classification (germline): Uncertain significance (1 of 4 stars; one submission).

Conditions:
Tuberous sclerosis 1 (TSC1). Identifiers: Orphanet 805, MedGen C1854465, MONDO:0008612, OMIM 191100.

Submission:

Labcorp Genetics (formerly Invitae), Labcorp
Classification: Uncertain significance for Tuberous sclerosis 1. Last evaluated: 2026-01-08. Review status: criteria provided, single submitter. Criteria: Invitae Variant Classification Sherloc (09022015). Collection method: clinical testing. Allele origin: germline.
Comment: This sequence change replaces lysine, which is basic and polar, with arginine, which is basic and polar, at codon 542 of the TSC1 protein (p.Lys542Arg). This variant is not present in population databases (gnomAD no frequency). This variant has not been reported in the literature in individuals affected with TSC1-related conditions. ClinVar contains an entry for this variant (Variation ID: 2167545). Invitae Evidence Modeling of protein sequence and biophysical properties (such as structural, functional, and spatial information, amino acid conservation, physicochemical variation, residue mobility, and thermodynamic stability) indicates that this missense variant is not expected to disrupt TSC1 protein function with a negative predictive value of 95%. In summary, the available evidence is currently insufficient to determine the role of this variant in disease. Therefore, it has been classified as a Variant of Uncertain Significance.

NM_000368.5(TSC1):c.1625A>G (p.Lys542Arg)

Gene: TSC1 (TSC complex subunit 1; minus strand). Cytogenetic location: 9q34.13.
Variant type: single nucleotide variant.
Coding change: c.1625A>G on transcript NM_000368.5 (MANE Select); coding-DNA position 1625, A replaced by G.
Protein change: p.Lys542Arg; replaces lysine 542 with arginine.
Molecular consequence: missense variant.
Genome position (GRCh38, 1-based): chr9:132,905,953, T>C on the plus strand (A>G on the coding strand, the complement: TSC1 is on the minus strand). VCF-style: chr9-132905953-T-C. GRCh37 (hg19) VCF-style: chr9-135781340-T-C.
Other names: c.1622A>G, p.Lys541Arg (NM_001162426.2, NM_001406597.1, NM_001406598.1 and 6 more transcripts); c.1472A>G, p.Lys491Arg (NM_001162427.2, NM_001406610.1); c.1262A>G, p.Lys421Arg (NM_001362177.2, NM_001406618.1, NM_001406619.1 and 5 more transcripts); c.1625A>G, p.Lys542Arg (NM_001406592.1, NM_001406593.1, NM_001406594.1 and 7 more transcripts); c.1259A>G, p.Lys420Arg (NM_001406620.1, NM_001406621.1, NM_001406622.1 and 2 more transcripts); c.674A>G, p.Lys225Arg (NM_001406626.1); c.671A>G, p.Lys224Arg (NM_001406627.1, NM_001406628.1); c.572A>G, p.Lys191Arg (NM_001406629.1, NM_001406630.1); and 1 more; short protein forms K191R, K420R, K542R, K225R, K421R, K490R, K541R, K224R.
Identifiers: ClinVar variation 2167545 (VCV002167545.4), dbSNP rs2131837181, ClinGen allele CA375364628.